The following is an entry in ClinVar:

ClinVar aggregate classification (germline): Uncertain significance (1 of 4 stars; one submission).

Conditions:
Familial acute necrotizing encephalopathy (IIAE3). Also called: ENCEPHALOPATHY, ACUTE, INFECTION-INDUCED, SUSCEPTIBILITY TO, 3; Susceptibility to Acute Necrotizing Encephalopathy 1. Identifiers: Orphanet 88619, MedGen C2675556, MONDO:0011953, OMIM 608033.

Allele frequency attached by ClinVar (database versions not stated): gnomAD exomes 0.00001 and 0.00002; ExAC 0.00002.
gnomAD v4.1: 7 of 1,613,856 alleles (0.00043%); highest among the groups gnomAD compares: Admixed American, 0.012%; no homozygotes.

Submission:

Labcorp Genetics (formerly Invitae), Labcorp
Classification: Uncertain significance for Familial acute necrotizing encephalopathy. Last evaluated: 2021-01-08. Review status: criteria provided, single submitter. Criteria: Invitae Variant Classification Sherloc (09022015). Collection method: clinical testing. Allele origin: germline.
Comment: This variant has not been reported in the literature in individuals with RANBP2-related conditions. This variant is present in population databases (rs773902761, ExAC 0.02%). This sequence change replaces lysine with isoleucine at codon 2687 of the RANBP2 protein (p.Lys2687Ile). The lysine residue is highly conserved and there is a moderate physicochemical difference between lysine and isoleucine. In summary, the available evidence is currently insufficient to determine the role of this variant in disease. Therefore, it has been classified as a Variant of Uncertain Significance. Algorithms developed to predict the effect of missense changes on protein structure and function (SIFT, PolyPhen-2, Align-GVGD) all suggest that this variant is likely to be disruptive, but these predictions have not been confirmed by published functional studies and their clinical significance is uncertain.

NM_006267.5(RANBP2):c.8060A>T (p.Lys2687Ile)

Gene: RANBP2 (RAN binding protein 2; plus strand). Cytogenetic location: 2q13.
Variant type: single nucleotide variant.
Coding change: c.8060A>T on transcript NM_006267.5 (MANE Select); coding-DNA position 8060, A replaced by T.
Protein change: p.Lys2687Ile; replaces lysine 2687 with isoleucine.
Molecular consequence: missense variant.
Genome position (GRCh38, 1-based): chr2:108,772,528, A>T. VCF-style: chr2-108772528-A-T. GRCh37 (hg19) VCF-style: chr2-109388984-A-T.
Other names: short protein forms K2687I.
Identifiers: ClinVar variation 1446969 (VCV001446969.9), dbSNP rs773902761, ClinGen allele CA1823742.
Genomic context (GRCh38, chr2:108,772,528, plus strand): 5'-TTTAATCAATTGTATTTTAAGATGAAGATTTCGAAACAGCTGTCAAGAAACTTAATGGAA[A>T]ACTATATTTGGATGGCTCAGAAAAATGTAGACCCTTGGAAGAAAATACAGCAGGTATGTT-3'
Protein context (NP_006258.3, residues 2677-2697): FETAVKKLNG[Lys2687Ile]LYLDGSEKCR